The following is an entry in ClinVar:

NM_002691.4(POLD1):c.3219-7C>G

Gene: POLD1 (DNA polymerase delta 1, catalytic subunit; plus strand). Cytogenetic location: 19q13.33.
Variant type: single nucleotide variant.
Coding change: c.3219-7C>G on transcript NM_002691.4 (MANE Select); 7 bases into the intron before coding-DNA position 3219, C replaced by G.
Molecular consequence: intron variant.
Genome position (GRCh38, 1-based): chr19:50,417,835, C>G. VCF-style: chr19-50417835-C-G. GRCh37 (hg19) VCF-style: chr19-50921092-C-G.
Other names: c.3219-7C>G (NM_001256849.1); c.3297-7C>G (NM_001308632.1).
Identifiers: ClinVar variation 860839 (VCV000860839.9), dbSNP rs1158626721, ClinGen allele CA916082476.

ClinVar aggregate classification (germline): Uncertain significance (1 of 4 stars; one submission).

Conditions:
POLD1-related polyposis and colorectal cancer syndrome (CRCS10). Also called: Colorectal cancer 10; COLORECTAL CANCER, SUSCEPTIBILITY TO, ON CHROMOSOME 19q; Colorectal cancer, susceptibility to, 10. Identifiers: Orphanet 220460, MedGen C2675481, MONDO:0012953, OMIM 612591.

Allele frequency attached by ClinVar (database versions not stated): gnomAD exomes 0.00001.
gnomAD v4.1: 14 of 1,581,886 alleles (0.00089%); highest among the groups gnomAD compares: Non-Finnish European, 0.0012%; no homozygotes.

Submission:

Labcorp Genetics (formerly Invitae), Labcorp
Classification: Uncertain significance for POLD1-related polyposis and colorectal cancer syndrome. Last evaluated: 2024-08-26. Review status: criteria provided, single submitter. Criteria: Invitae Variant Classification Sherloc (09022015). Collection method: clinical testing. Allele origin: germline.
Comment: This sequence change falls in intron 26 of the POLD1 gene. It does not directly change the encoded amino acid sequence of the POLD1 protein. RNA analysis indicates that this variant induces altered splicing and likely results in the gain of 2 amino acid residue(s), but is expected to preserve the integrity of the reading-frame. This variant is not present in population databases (gnomAD no frequency). This variant has not been reported in the literature in individuals affected with POLD1-related conditions. ClinVar contains an entry for this variant (Variation ID: 860839). Studies have shown that this variant results in the activation of a cryptic splice site in intron 26 (internal data). In summary, the available evidence is currently insufficient to determine the role of this variant in disease. Therefore, it has been classified as a Variant of Uncertain Significance.